The following is an entry in ClinVar:

NM_015662.3(IFT172):c.619A>G (p.Thr207Ala)

Gene: IFT172 (intraflagellar transport 172; minus strand). Cytogenetic location: 2p23.3.
Variant type: single nucleotide variant.
Coding change: c.619A>G on transcript NM_015662.3 (MANE Select); coding-DNA position 619, A replaced by G.
Protein change: p.Thr207Ala; replaces threonine 207 with alanine.
Molecular consequence: missense variant.
Genome position (GRCh38, 1-based): chr2:27,481,212, T>C on the plus strand (A>G on the coding strand, the complement: IFT172 is on the minus strand). VCF-style: chr2-27481212-T-C. GRCh37 (hg19) VCF-style: chr2-27704079-T-C.
Other names: c.619A>G, p.Thr207Ala (NM_001410739.1); short protein forms T207A.
Identifiers: ClinVar variation 2927324 (VCV002927324.4), dbSNP rs1206666099, ClinGen allele CA346399132.

ClinVar aggregate classification (germline): Uncertain significance. Review status: criteria provided, multiple submitters, no conflicts (2 of 4 stars). 2 submissions from 2 submitters: Uncertain significance (2). Last evaluated 2024-03-11.

Conditions:
Short-rib thoracic dysplasia 10 with or without polydactyly (SRTD10). Identifiers: Orphanet 474, MedGen C3810175, MONDO:0014284, OMIM 615630.
Retinitis pigmentosa 71 (RP71). Identifiers: Orphanet 791, MedGen C4225342, MONDO:0014618, OMIM 616394.
Bardet-Biedl syndrome 20. Identifiers: MedGen C4310707, MONDO:0023670, OMIM 619471, MONDO:0014926.

Allele frequency attached by ClinVar (database versions not stated): gnomAD exomes below 0.00001; TOPMed below 0.00001; gnomAD 0.00001.
gnomAD v4.1: 9 of 1,612,662 alleles (0.00056%); highest among the groups gnomAD compares: Non-Finnish European, 0.00059%; no homozygotes.

Submissions (2):

Labcorp Genetics (formerly Invitae), Labcorp
Classification: Uncertain significance for Retinitis pigmentosa 71; Short-rib thoracic dysplasia 10 with or without polydactyly. Last evaluated: 2024-03-11. Review status: criteria provided, single submitter. Criteria: Invitae Variant Classification Sherloc (09022015). Collection method: clinical testing. Allele origin: germline.
Comment: This sequence change replaces threonine, which is neutral and polar, with alanine, which is neutral and non-polar, at codon 207 of the IFT172 protein (p.Thr207Ala). This variant is not present in population databases (gnomAD no frequency). This variant has not been reported in the literature in individuals affected with IFT172-related conditions. Advanced modeling of protein sequence and biophysical properties (such as structural, functional, and spatial information, amino acid conservation, physicochemical variation, residue mobility, and thermodynamic stability) performed at Invitae indicates that this missense variant is not expected to disrupt IFT172 protein function with a negative predictive value of 80%. In summary, the available evidence is currently insufficient to determine the role of this variant in disease. Therefore, it has been classified as a Variant of Uncertain Significance.

Fulgent Genetics
Classification: Uncertain significance for Short-rib thoracic dysplasia 10 with or without polydactyly; Retinitis pigmentosa 71; Bardet-Biedl syndrome 20. Last evaluated: 2024-01-09. Review status: criteria provided, single submitter. Criteria: ACMG Guidelines, 2015. Collection method: clinical testing. Allele origin: germline.